The following is an entry in ClinVar:

ClinVar aggregate classification (germline): Pathogenic (1 of 4 stars; one submission).

Conditions:
Fabry disease. Also called: ALPHA-GALACTOSIDASE A DEFICIENCY; ANDERSON-FABRY DISEASE; CERAMIDE TRIHEXOSIDASE DEFICIENCY; GLA DEFICIENCY; HEREDITARY DYSTOPIC LIPIDOSIS; Angiokeratoma corporis diffusum. Identifiers: Orphanet 324, MedGen C0002986, MONDO:0010526, OMIM 301500, HP:0001071. Disease mechanism: Fabry disease is due to inactivating mutations in the X-linked GLA gene resulting in deficiency of the enzyme Alpha Galactosidase-A., loss of function.

Submission:

Genomenon, Inc
Classification: Pathogenic for Fabry disease. Last evaluated: 2026-09-08. Review status: criteria provided, single submitter. Criteria: Genomenon Sequence Variant Interpretation Standards - Updated. Collection method: curation. Allele origin: germline. Affected: yes.
Comment: GLA p.Cys142Trp (c.426C>G) is a missense variant that changes the amino acid at codon 142 from Cysteine to Tryptophan. This variant has been observed in at least one proband with clinical features consistent with Fabry disease (PMID:15702403;20505683). At least one functional study has demonstrated a substantial alteration in protein function relative to the wild-type (PMID:27657681;20505683). This variant is located in a mutational hotspot and/or important functional domain. It is absent or not present at a significant frequency in gnomAD. In silico models predict that this variant is possibly or probably damaging. In conclusion, we classify GLA p.Cys142Trp (c.426C>G) as a pathogenic variant.

Literature cited by the submitters: PubMed 15702403; PubMed 20505683; PubMed 27657681.

NM_000169.3(GLA):c.426C>G (p.Cys142Trp)

Genes: GLA (galactosidase alpha; minus strand), RPL36A-HNRNPH2 (RPL36A-HNRNPH2 readthrough; plus strand). Cytogenetic location: Xq22.1.
Variant type: single nucleotide variant.
Coding change: c.426C>G on transcript NM_000169.3 (MANE Select); coding-DNA position 426, C replaced by G.
Protein change: p.Cys142Trp; replaces cysteine 142 with tryptophan.
Molecular consequence: missense variant. On other transcripts: non-coding transcript variant (3), intron variant (2).
Genome position (GRCh38, 1-based): chrX:101,401,753, G>C on the plus strand (C>G on the coding strand, the complement: GLA is on the minus strand). VCF-style: chrX-101401753-G-C. GRCh37 (hg19) VCF-style: chrX-100656741-G-C.
Other names: c.549C>G, p.Cys183Trp (NM_001406747.1, NM_001406749.1); c.426C>G, p.Cys142Trp (NM_001406748.1); c.300+6296G>C (NM_001199973.2); c.177+9931G>C (NM_001199974.2); short protein forms C142W, C183W.
Identifiers: ClinVar variation 4087368 (VCV004087368.2).
Genomic context (GRCh38, chrX:101,401,753, plus strand): 5'-CCAGTCAGCAAAGGTCTGGGCATCAATGTCGTAGTATCCAAAACTCCCAGGGAAGCCTGC[G>C]CAGGTTTTATTTCCAACATCTGCATAAATCCCTAGCTTCAGTCCTTTGCTGTGAACCTGA-3'
Protein context (NP_000160.1, residues 132-152): GIYADVGNKT[Cys142Trp]AGFPGSFGYY